The following is an entry in ClinVar:

ClinVar aggregate classification (germline): Uncertain significance. Review status: criteria provided, multiple submitters, no conflicts (2 of 4 stars). 2 submissions from 2 submitters: Uncertain significance (2). Last evaluated 2026-04-13.

Conditions:
RPGRIP1L-related disorder. Also called: RPGRIP1L-related condition; RPGRIP1L-related disorders. Identifiers: MedGen CN239416.
Meckel syndrome, type 5 (MKS5). Identifiers: Orphanet 564, MedGen C1969052, MONDO:0012695, OMIM 611561.
COACH syndrome 3. Identifiers: MedGen C5436841, MONDO:0030862, OMIM 619113.
Joubert syndrome 7 (JBTS7). Identifiers: Orphanet 220497, MedGen C1969053, MONDO:0012694, OMIM 611560.

gnomAD v4.1: 12 of 1,609,470 alleles (0.00075%); highest among the groups gnomAD compares: African/African-American, 0.0094%; no homozygotes.

Submissions (2):

PreventionGenetics, part of Exact Sciences
Classification: Uncertain significance for RPGRIP1L-related condition. Last evaluated: 2026-04-13. Review status: criteria provided, single submitter. Criteria: ACMG Guidelines, 2015. Collection method: clinical testing. Allele origin: germline.
Comment: The RPGRIP1L c.853A>G variant is predicted to result in the amino acid substitution p.Met285Val. To our knowledge, this variant has not been reported in the literature. This variant is reported in 0.0080% of alleles in individuals of African descent in gnomAD. At this time, the clinical significance of this variant is uncertain due to the absence of conclusive functional and genetic evidence.

Fulgent Genetics
Classification: Uncertain significance for Joubert syndrome 7; Meckel syndrome, type 5; COACH syndrome 3. Last evaluated: 2024-03-11. Review status: criteria provided, single submitter. Criteria: ACMG Guidelines, 2015. Collection method: clinical testing. Allele origin: germline.

NM_015272.5(RPGRIP1L):c.853A>G (p.Met285Val)

Gene: RPGRIP1L (RPGRIP1 like; minus strand). Cytogenetic location: 16q12.2.
Variant type: single nucleotide variant.
Coding change: c.853A>G on transcript NM_015272.5 (MANE Select); coding-DNA position 853, A replaced by G.
Protein change: p.Met285Val; replaces methionine 285 with valine.
Molecular consequence: missense variant.
Genome position (GRCh38, 1-based): chr16:53,675,046, T>C on the plus strand (A>G on the coding strand, the complement: RPGRIP1L is on the minus strand). VCF-style: chr16-53675046-T-C. GRCh37 (hg19) VCF-style: chr16-53708958-T-C.
Other names: c.853A>G (NM_015272.4); c.853A>G, p.Met285Val (NM_001127897.4, NM_001308334.3, NM_001330538.2); short protein forms M285V.
Identifiers: ClinVar variation 3580874 (VCV003580874.2).